The following is an entry in ClinVar:

ClinVar aggregate classification (germline): Uncertain significance. Review status: criteria provided, multiple submitters, no conflicts (2 of 4 stars). 2 submissions from 2 submitters: Uncertain significance (2). Last evaluated 2024-01-16.

Allele frequency attached by ClinVar (database versions not stated): gnomAD 0.00003; TOPMed 0.00004; ExAC 0.00008.
gnomAD v4.1: 46 of 1,597,410 alleles (0.0029%); highest among the groups gnomAD compares: African/African-American, 0.015%; no homozygotes.

Submissions (2):

Ambry Genetics
Classification: Uncertain significance. Last evaluated: 2024-01-16. Review status: criteria provided, single submitter. Criteria: Ambry Variant Classification Scheme 2023. Collection method: clinical testing. Allele origin: germline.

Labcorp Genetics (formerly Invitae), Labcorp
Classification: Uncertain significance. Last evaluated: 2023-08-27. Review status: criteria provided, single submitter. Criteria: Invitae Variant Classification Sherloc (09022015). Collection method: clinical testing. Allele origin: germline.
Comment: This sequence change replaces glycine, which is neutral and non-polar, with serine, which is neutral and polar, at codon 91 of the FBN3 protein (p.Gly91Ser). This variant is present in population databases (rs527237169, gnomAD 0.03%). This variant has not been reported in the literature in individuals affected with FBN3-related conditions. An algorithm developed to predict the effect of missense changes on protein structure and function (PolyPhen-2) suggests that this variant is likely to be tolerated. In summary, the available evidence is currently insufficient to determine the role of this variant in disease. Therefore, it has been classified as a Variant of Uncertain Significance.

NM_032447.5(FBN3):c.271G>A (p.Gly91Ser)

Gene: FBN3 (fibrillin 3; minus strand). Cytogenetic location: 19p13.2.
Variant type: single nucleotide variant.
Coding change: c.271G>A on transcript NM_032447.5 (MANE Select); coding-DNA position 271, G replaced by A.
Protein change: p.Gly91Ser; replaces glycine 91 with serine.
Molecular consequence: missense variant.
Genome position (GRCh38, 1-based): chr19:8,146,205, C>T on the plus strand (G>A on the coding strand, the complement: FBN3 is on the minus strand). VCF-style: chr19-8146205-C-T. GRCh37 (hg19) VCF-style: chr19-8211089-C-T.
Other names: c.271G>A, p.Gly91Ser (NM_001321431.2); c.271G>A (NM_032447.3); short protein forms G91S.
Identifiers: ClinVar variation 2902134 (VCV002902134.4), dbSNP rs527237169, ClinGen allele CA9153776.